The following is an entry in ClinVar:

NM_004281.4(BAG3):c.524C>T (p.Ala175Val)

Gene: BAG3 (BAG cochaperone 3; plus strand). Cytogenetic location: 10q26.11.
Variant type: single nucleotide variant.
Coding change: c.524C>T on transcript NM_004281.4 (MANE Select); coding-DNA position 524, C replaced by T.
Protein change: p.Ala175Val; replaces alanine 175 with valine.
Molecular consequence: missense variant.
Genome position (GRCh38, 1-based): chr10:119,672,271, C>T. VCF-style: chr10-119672271-C-T. GRCh37 (hg19) VCF-style: chr10-121431783-C-T.
Other names: short protein forms A175V.
Identifiers: ClinVar variation 1039664 (VCV001039664.10), dbSNP rs1847160512, ClinGen allele CA378295268.

ClinVar aggregate classification (germline): Uncertain significance (1 of 4 stars; one submission).

Conditions:
Myofibrillar myopathy 6. Identifiers: Orphanet 199340, MedGen C2751831, MONDO:0013061, OMIM 612954.
Dilated cardiomyopathy 1HH (CMD1HH). Identifiers: Orphanet 154, MedGen C3151293, MONDO:0013479, OMIM 613881.

Allele frequency attached by ClinVar (database versions not stated): gnomAD exomes below 0.00001; gnomAD 0.00001; TOPMed 0.00001.
gnomAD v4.1: 3 of 1,613,448 alleles (0.00019%); highest among the groups gnomAD compares: African/African-American, 0.004%; no homozygotes.

Submission:

Labcorp Genetics (formerly Invitae), Labcorp
Classification: Uncertain significance for Dilated cardiomyopathy 1HH; Myofibrillar myopathy 6. Last evaluated: 2025-10-25. Review status: criteria provided, single submitter. Criteria: Invitae Variant Classification Sherloc (09022015). Collection method: clinical testing. Allele origin: germline.
Comment: This sequence change replaces alanine, which is neutral and non-polar, with valine, which is neutral and non-polar, at codon 175 of the BAG3 protein (p.Ala175Val). This variant is not present in population databases (gnomAD no frequency). This variant has not been reported in the literature in individuals affected with BAG3-related conditions. ClinVar contains an entry for this variant (Variation ID: 1039664). Invitae Evidence Modeling of protein sequence and biophysical properties (such as structural, functional, and spatial information, amino acid conservation, physicochemical variation, residue mobility, and thermodynamic stability) indicates that this missense variant is not expected to disrupt BAG3 protein function with a negative predictive value of 80%. In summary, the available evidence is currently insufficient to determine the role of this variant in disease. Therefore, it has been classified as a Variant of Uncertain Significance.